The following is an entry in ClinVar:

ClinVar aggregate classification (germline): Uncertain significance. Review status: criteria provided, multiple submitters, no conflicts (2 of 4 stars). 2 submissions from 2 submitters: Uncertain significance (2). Last evaluated 2024-12-20.

Conditions:
Inborn genetic diseases. Identifiers: MedGen C0950123, MeSH D030342.
Camptomelic dysplasia (CMPD). Also called: Campomelic Dysplasia; CMPD1/SRA1. Identifiers: Orphanet 140, MedGen C1861922, MONDO:0007251, OMIM 114290.

Allele frequency attached by ClinVar (database versions not stated): TOPMed below 0.00001.

Submissions (2):

Ambry Genetics
Classification: Uncertain significance for Inborn genetic diseases. Last evaluated: 2024-12-20. Review status: criteria provided, single submitter. Criteria: Ambry Variant Classification Scheme 2023. Collection method: clinical testing. Allele origin: germline.

Labcorp Genetics (formerly Invitae), Labcorp
Classification: Uncertain significance for Camptomelic dysplasia. Last evaluated: 2021-11-18. Review status: criteria provided, single submitter. Criteria: Invitae Variant Classification Sherloc (09022015). Collection method: clinical testing. Allele origin: germline.
Comment: This sequence change replaces proline, which is neutral and non-polar, with histidine, which is basic and polar, at codon 359 of the SOX9 protein (p.Pro359His). In summary, the available evidence is currently insufficient to determine the role of this variant in disease. Therefore, it has been classified as a Variant of Uncertain Significance. Advanced modeling of protein sequence and biophysical properties (such as structural, functional, and spatial information, amino acid conservation, physicochemical variation, residue mobility, and thermodynamic stability) performed at Invitae indicates that this missense variant is not expected to disrupt SOX9 protein function. This variant has not been reported in the literature in individuals affected with SOX9-related conditions. This variant is not present in population databases (gnomAD no frequency).

NM_000346.4(SOX9):c.1076C>A (p.Pro359His)

Gene: SOX9 (SRY-box transcription factor 9; plus strand). Cytogenetic location: 17q24.3.
Variant type: single nucleotide variant.
Coding change: c.1076C>A on transcript NM_000346.4 (MANE Select); coding-DNA position 1076, C replaced by A.
Protein change: p.Pro359His; replaces proline 359 with histidine.
Molecular consequence: missense variant.
Genome position (GRCh38, 1-based): chr17:72,123,933, C>A. VCF-style: chr17-72123933-C-A. GRCh37 (hg19) VCF-style: chr17-70120074-C-A.
Other names: c.1076C>A (NM_000346.3); short protein forms P359H.
Identifiers: ClinVar variation 1491458 (VCV001491458.7), dbSNP rs1908196558, ClinGen allele CA400867663.